The following is an entry in ClinVar:

ClinVar aggregate classification (germline): Benign/Likely benign. Review status: criteria provided, multiple submitters, no conflicts (2 of 4 stars). 4 submissions from 4 submitters: Benign (3); Likely benign (1). Last evaluated 2026-07-01.

Allele frequency attached by ClinVar (database versions not stated): 1000 Genomes Project 30x 0.00344; 1000 Genomes Project 0.00359; TOPMed 0.00749; gnomAD 0.00838 and 0.00856; gnomAD exomes 0.00867 and 0.01087; ExAC 0.00889; ESP Exome Variant Server 0.00923.
gnomAD v4.1: 16,870 of 1,595,160 alleles (1.1%); highest among the groups gnomAD compares: Non-Finnish European, 1.2%; 114 homozygotes.

Submissions (4):

CeGaT Center for Human Genetics Tuebingen
Classification: Benign. Last evaluated: 2026-07-01. Review status: criteria provided, single submitter. Criteria: CeGaT Center For Human Genetics Tuebingen Variant Classification Criteria Version 2. Collection method: clinical testing. Allele origin: germline. Affected: yes. Observed: 2 variant alleles.
Comment: KLKB1: BP4, BS1, BS2

Mayo Clinic Laboratories, Mayo Clinic
Classification: Likely benign. Last evaluated: 2024-01-18. Review status: criteria provided, single submitter. Criteria: ACMG Guidelines, 2015. Collection method: clinical testing. Allele origin: germline. Observed: 5 variant alleles.
Comment: BS1, BP4, BP7

Labcorp Genetics (formerly Invitae), Labcorp
Classification: Benign. Last evaluated: 2019-12-31. Review status: criteria provided, single submitter. Criteria: Invitae Variant Classification Sherloc (09022015). Collection method: clinical testing. Allele origin: germline.

Breakthrough Genomics
Classification: Benign. Review status: criteria provided, single submitter. Criteria: ACMG Guidelines, 2015. Collection method: not provided. Allele origin: germline. Inheritance: Autosomal recessive inheritance. Affected: yes.

NM_000892.5(KLKB1):c.489-5T>C

Gene: KLKB1 (kallikrein B1; plus strand). Cytogenetic location: 4q35.2.
Variant type: single nucleotide variant.
Coding change: c.489-5T>C on transcript NM_000892.5 (MANE Select); 5 bases into the intron before coding-DNA position 489, T replaced by C.
Molecular consequence: intron variant.
Genome position (GRCh38, 1-based): chr4:186,238,251, T>C. VCF-style: chr4-186238251-T-C. GRCh37 (hg19) VCF-style: chr4-187159405-T-C.
Other names: p.?; c.-149-5T>C (NM_001318396.2); c.375-5T>C (NM_001318394.2).
Identifiers: ClinVar variation 770353 (VCV000770353.30), dbSNP rs61748604, ClinGen allele CA3163073.
Genomic context (GRCh38, chr4:186,238,251, plus strand): 5'-TACCTGCACTGCTCCCTGCCCCTCAAAGTGCAGAAAGCAAAGTAACCTCTTTTCTTCCCA[T>C]TCAGGAACAATTGCCTATTAAAGTACAGTCCCGGAGGAACACCTACCGCTATAAAGGTGC-3'